The following is an entry in ClinVar:

NM_014991.6(WDFY3):c.9590T>C (p.Ile3197Thr)

Gene: WDFY3 (WD repeat and FYVE domain containing 3; minus strand). Cytogenetic location: 4q21.23.
Variant type: single nucleotide variant.
Coding change: c.9590T>C on transcript NM_014991.6 (MANE Select); coding-DNA position 9590, T replaced by C.
Protein change: p.Ile3197Thr; replaces isoleucine 3197 with threonine.
Molecular consequence: missense variant.
Genome position (GRCh38, 1-based): chr4:84,684,079, A>G on the plus strand (T>C on the coding strand, the complement: WDFY3 is on the minus strand). VCF-style: chr4-84684079-A-G. GRCh37 (hg19) VCF-style: chr4-85605232-A-G.
Other names: short protein forms I3197T.
Identifiers: ClinVar variation 1711592 (VCV001711592.30), dbSNP rs2530562957, ClinGen allele CA357268026.
Genomic context (GRCh38, chr4:84,684,079, plus strand): 5'-CAGATGATCTGCTGGCTCCTACCTGTGAACGTGTTGACACTCACGATAGGGTTCCCATTG[A>G]TGCTCCACACATGGATATATGTGCCAGCGCAGGACACAATGTCCCCCTGAGAAGAGAGAG-3'
Protein context (NP_055806.2, residues 3187-3207): CAGTYIHVWS[Ile3197Thr]NGNPIVSVNT

ClinVar aggregate classification (germline): Uncertain significance (1 of 4 stars; one submission).

Allele frequency attached by ClinVar (database versions not stated): gnomAD exomes 0.00001.
gnomAD v4.1: 5 of 1,611,592 alleles (0.00031%); highest among the groups gnomAD compares: Non-Finnish European, 0.00042%; no homozygotes.

Submission:

CeGaT Center for Human Genetics Tuebingen
Classification: Uncertain significance. Last evaluated: 2022-09-01. Review status: criteria provided, single submitter. Criteria: CeGaT Center For Human Genetics Tuebingen Variant Classification Criteria Version 2. Collection method: clinical testing. Allele origin: germline. Affected: yes. Observed: 1 variant allele.
Comment: WDFY3: PM2, PP2